The following is an entry in ClinVar:

ClinVar aggregate classification (germline): Uncertain significance (1 of 4 stars; one submission).

Conditions:
Megalencephaly-polymicrogyria-polydactyly-hydrocephalus syndrome 2 (MPPH2). Also called: MEGALENCEPHALY-POLYMICROGYRIA-POLYDACTYLY-HYDROCEPHALUS SYNDROME 2, SOMATIC. Identifiers: Orphanet 83473, MedGen C4014738, MONDO:0014407, OMIM 615937.

Submission:

Labcorp Genetics (formerly Invitae), Labcorp
Classification: Uncertain significance for Megalencephaly-polymicrogyria-polydactyly-hydrocephalus syndrome 2. Last evaluated: 2024-11-11. Review status: criteria provided, single submitter. Criteria: Invitae Variant Classification Sherloc (09022015). Collection method: clinical testing. Allele origin: germline.
Comment: This sequence change replaces valine, which is neutral and non-polar, with alanine, which is neutral and non-polar, at codon 183 of the AKT3 protein (p.Val183Ala). This variant is not present in population databases (gnomAD no frequency). This variant has not been reported in the literature in individuals affected with AKT3-related conditions. ClinVar contains an entry for this variant (Variation ID: 2058570). Invitae Evidence Modeling of protein sequence and biophysical properties (such as structural, functional, and spatial information, amino acid conservation, physicochemical variation, residue mobility, and thermodynamic stability) indicates that this missense variant is not expected to disrupt AKT3 protein function with a negative predictive value of 95%. In summary, the available evidence is currently insufficient to determine the role of this variant in disease. Therefore, it has been classified as a Variant of Uncertain Significance.

NM_005465.7(AKT3):c.548T>C (p.Val183Ala)

Gene: AKT3 (AKT serine/threonine kinase 3; minus strand). Cytogenetic location: 1q44.
Variant type: single nucleotide variant.
Coding change: c.548T>C on transcript NM_005465.7 (MANE Select); coding-DNA position 548, T replaced by C.
Protein change: p.Val183Ala; replaces valine 183 with alanine.
Molecular consequence: missense variant.
Genome position (GRCh38, 1-based): chr1:243,637,624, A>G on the plus strand (T>C on the coding strand, the complement: AKT3 is on the minus strand). VCF-style: chr1-243637624-A-G. GRCh37 (hg19) VCF-style: chr1-243800926-A-G.
Other names: c.548T>C, p.Val183Ala (NM_001206729.2, NM_001370074.1, NM_181690.2); short protein forms V183A.
Identifiers: ClinVar variation 2058570 (VCV002058570.4), dbSNP rs886041100, ClinGen allele CA345669668.